The following is an entry in ClinVar:

NM_003239.5(TGFB3):c.880G>A (p.Gly294Arg)

Gene: TGFB3 (transforming growth factor beta 3; minus strand). Cytogenetic location: 14q24.3.
Variant type: single nucleotide variant.
Coding change: c.880G>A on transcript NM_003239.5 (MANE Select); coding-DNA position 880, G replaced by A.
Protein change: p.Gly294Arg; replaces glycine 294 with arginine.
Molecular consequence: missense variant.
Genome position (GRCh38, 1-based): chr14:75,963,362, C>T on the plus strand (G>A on the coding strand, the complement: TGFB3 is on the minus strand). VCF-style: chr14-75963362-C-T. GRCh37 (hg19) VCF-style: chr14-76429705-C-T.
Other names: c.880G>A, p.Gly294Arg (NM_001329938.2, NM_001329939.2); short protein forms G294R.
Identifiers: ClinVar variation 3455816 (VCV003455816.1).

ClinVar aggregate classification (germline): Uncertain significance (1 of 4 stars; one submission).

Conditions:
Familial thoracic aortic aneurysm and aortic dissection (TAAD). Also called: Thoracic aortic aneurysms and dissections. Identifiers: Orphanet 91387, MedGen C4707243, MONDO:0019625.

gnomAD v4.1: 1 of 1,614,198 alleles (0.000062%); highest among the groups gnomAD compares: South Asian, 0.0011%; no homozygotes.

Submission:

Ambry Genetics
Classification: Uncertain significance for Familial thoracic aortic aneurysm and aortic dissection. Last evaluated: 2024-11-03. Review status: criteria provided, single submitter. Criteria: Ambry Variant Classification Scheme 2023. Collection method: clinical testing. Allele origin: germline.
Comment: The p.G294R variant (also known as c.880G>A), located in coding exon 5 of the TGFB3 gene, results from a G to A substitution at nucleotide position 880. The glycine at codon 294 is replaced by arginine, an amino acid with dissimilar properties. This amino acid position is conserved. In addition, this alteration is predicted to be tolerated by in silico analysis. Based on the available evidence, the clinical significance of this variant remains unclear.